The following is an entry in ClinVar:

ClinVar aggregate classification (germline): Uncertain significance. Review status: criteria provided, multiple submitters, no conflicts (2 of 4 stars). 4 submissions from 4 submitters: Uncertain significance (3). 1 of the submissions does not count toward it. Last evaluated 2025-12-19.

Conditions:
INPP5E-related disorder. Also called: INPP5E-related condition.
Inborn genetic diseases. Identifiers: MedGen C0950123, MeSH D030342.
Joubert syndrome. Also called: JOUBERT-BOLTSHAUSER SYNDROME; Familial aplasia of the vermis. Identifiers: Orphanet 475, MedGen C5979921, MONDO:0018772.

Allele frequency attached by ClinVar (database versions not stated): gnomAD 0.00001; gnomAD exomes 0.00001; TOPMed 0.00001.

Submissions (4):

Ambry Genetics
Classification: Uncertain significance for Inborn genetic diseases. Last evaluated: 2025-12-19. Review status: criteria provided, single submitter. Criteria: Ambry Variant Classification Scheme 2023. Collection method: clinical testing. Allele origin: germline.

Blueprint Genetics
Classification: Uncertain significance. Last evaluated: 2024-06-20. Review status: criteria provided, single submitter. Criteria: ACMG Guidelines, 2015. Collection method: clinical testing. Allele origin: germline.

Labcorp Genetics (formerly Invitae), Labcorp
Classification: Uncertain significance for Joubert syndrome. Last evaluated: 2023-07-17. Review status: criteria provided, single submitter. Criteria: Invitae Variant Classification Sherloc (09022015). Collection method: clinical testing. Allele origin: germline.
Comment: This sequence change replaces glycine, which is neutral and non-polar, with arginine, which is basic and polar, at codon 430 of the INPP5E protein (p.Gly430Arg). The frequency data for this variant in the population databases is considered unreliable, as metrics indicate poor data quality at this position in the gnomAD database. This variant has not been reported in the literature in individuals affected with INPP5E-related conditions. ClinVar contains an entry for this variant (Variation ID: 1393977). Advanced modeling of protein sequence and biophysical properties (such as structural, functional, and spatial information, amino acid conservation, physicochemical variation, residue mobility, and thermodynamic stability) has been performed at Invitae for this missense variant, however the output from this modeling did not meet the statistical confidence thresholds required to predict the impact of this variant on INPP5E protein function. In summary, the available evidence is currently insufficient to determine the role of this variant in disease. Therefore, it has been classified as a Variant of Uncertain Significance.

PreventionGenetics, part of Exact Sciences
Classification: Uncertain significance for INPP5E-related condition. Last evaluated: 2024-05-10. Review status: no assertion criteria provided. Collection method: clinical testing. Allele origin: germline. Not counted in ClinVar's aggregate classification.
Comment: The INPP5E c.1288G>A variant is predicted to result in the amino acid substitution p.Gly430Arg. To our knowledge, this variant has not been reported in the literature. This variant is reported in 0.0057% of alleles in individuals of African descent in gnomAD. At this time, the clinical significance of this variant is uncertain due to the absence of conclusive functional and genetic evidence.

NM_019892.6(INPP5E):c.1288G>A (p.Gly430Arg)

Gene: INPP5E (inositol polyphosphate-5-phosphatase E; minus strand). Cytogenetic location: 9q34.3.
Variant type: single nucleotide variant.
Coding change: c.1288G>A on transcript NM_019892.6 (MANE Select); coding-DNA position 1288, G replaced by A.
Protein change: p.Gly430Arg; replaces glycine 430 with arginine.
Molecular consequence: missense variant.
Genome position (GRCh38, 1-based): chr9:136,432,578, C>T on the plus strand (G>A on the coding strand, the complement: INPP5E is on the minus strand). VCF-style: chr9-136432578-C-T. GRCh37 (hg19) VCF-style: chr9-139327030-C-T.
Other names: c.1288G>A (NM_019892.5, NM_019892.4); c.1285G>A, p.Gly429Arg (NM_001318502.2); short protein forms G430R, G429R.
Identifiers: ClinVar variation 1393977 (VCV001393977.9), dbSNP rs1203074338, ClinGen allele CA375563660.